The following is an entry in ClinVar:

NM_018297.4(NGLY1):c.1441T>G (p.Phe481Val)

Gene: NGLY1 (N-glycanase 1; minus strand). Cytogenetic location: 3p24.2.
Variant type: single nucleotide variant.
Coding change: c.1441T>G on transcript NM_018297.4 (MANE Select); coding-DNA position 1441, T replaced by G.
Protein change: p.Phe481Val; replaces phenylalanine 481 with valine.
Molecular consequence: missense variant.
Genome position (GRCh38, 1-based): chr3:25,729,303, A>C on the plus strand (T>G on the coding strand, the complement: NGLY1 is on the minus strand). VCF-style: chr3-25729303-A-C. GRCh37 (hg19) VCF-style: chr3-25770794-A-C.
Other names: c.1387T>G, p.Phe463Val (NM_001145293.2); c.1315T>G, p.Phe439Val (NM_001145294.2); c.1441T>G, p.Phe481Val (NM_001145295.2); short protein forms F481V, F439V, F463V.
Identifiers: ClinVar variation 1375935 (VCV001375935.8), dbSNP rs1020539053, ClinGen allele CA71651679.

ClinVar aggregate classification (germline): Uncertain significance (1 of 4 stars; one submission).

Conditions:
Congenital disorder of deglycosylation (CDDG). Identifiers: MedGen C3808991, MONDO:0031376.

Allele frequency attached by ClinVar (database versions not stated): TOPMed below 0.00001.

Submission:

Labcorp Genetics (formerly Invitae), Labcorp
Classification: Uncertain significance for Congenital disorder of deglycosylation. Last evaluated: 2021-02-26. Review status: criteria provided, single submitter. Criteria: Invitae Variant Classification Sherloc (09022015). Collection method: clinical testing. Allele origin: germline.
Comment: Algorithms developed to predict the effect of missense changes on protein structure and function (SIFT, PolyPhen-2, Align-GVGD) all suggest that this variant is likely to be tolerated, but these predictions have not been confirmed by published functional studies and their clinical significance is uncertain. In summary, the available evidence is currently insufficient to determine the role of this variant in disease. Therefore, it has been classified as a Variant of Uncertain Significance. This variant has not been reported in the literature in individuals with NGLY1-related conditions. This variant is not present in population databases (ExAC no frequency). This sequence change replaces phenylalanine with valine at codon 481 of the NGLY1 protein (p.Phe481Val). The phenylalanine residue is highly conserved and there is a small physicochemical difference between phenylalanine and valine.